The following is an entry in ClinVar:

NM_004006.3(DMD):c.7657C>T (p.Arg2553Ter)

Gene: DMD (dystrophin; minus strand). Cytogenetic location: Xp21.1.
Variant type: single nucleotide variant.
Coding change: c.7657C>T on transcript NM_004006.3 (MANE Select); coding-DNA position 7657, C replaced by T.
Protein change: p.Arg2553Ter; replaces arginine 2553 with a stop codon.
Molecular consequence: nonsense.
Genome position (GRCh38, 1-based): chrX:31,729,634, G>A on the plus strand (C>T on the coding strand, the complement: DMD is on the minus strand). VCF-style: chrX-31729634-G-A. GRCh37 (hg19) VCF-style: chrX-31747751-G-A.
Other names: NP_003997.1:p.Arg2553*; c.7633C>T, p.Arg2545Ter (NM_000109.4); c.7645C>T, p.Arg2549Ter (NM_004009.3); c.7288C>T, p.Arg2430Ter (NM_004010.3); c.3634C>T, p.Arg1212Ter (NM_004011.4); c.3625C>T, p.Arg1209Ter (NM_004012.4); c.277C>T, p.Arg93Ter (NM_004013.3, NM_004020.4, NM_004021.3 and 2 more transcripts); short protein forms R2553*, R1212*, R2430*, R93*, R2549*, R1209*, R2545*.
Identifiers: ClinVar variation 94772 (VCV000094772.63), dbSNP rs398124050, ClinGen allele CA267135.

ClinVar aggregate classification (germline): Pathogenic/Likely pathogenic. Review status: criteria provided, multiple submitters, no conflicts (2 of 4 stars). 10 submissions from 10 submitters: Pathogenic (8); Likely pathogenic (1). 1 of the submissions does not count toward it. Last evaluated 2026-09-30.

Conditions:
Dystrophin deficiency.
Duchenne muscular dystrophy (DMD). Also called: MUSCULAR DYSTROPHY, PSEUDOHYPERTROPHIC PROGRESSIVE, DUCHENNE TYPE; Duchenne Muscular Dystrophy (DMD). Identifiers: Orphanet 98896, MedGen C0013264, MONDO:0010679, OMIM 310200.
Cardiomyopathy (CMYO). Also called: Cardiomyopathies. Identifiers: Orphanet 167848, MedGen C0878544, MONDO:0004994, HP:0001638. Inheritance: Various modes of inheritance.
Becker muscular dystrophy (BMD). Also called: MUSCULAR DYSTROPHY, PSEUDOHYPERTROPHIC PROGRESSIVE, BECKER TYPE; Becker Muscular Dystrophy (BMD). Identifiers: Orphanet 98895, MedGen C0917713, MONDO:0010311, OMIM 300376.

Submissions (10):

Institute of Medical Genetics and Applied Genomics, University Hospital Tübingen
Classification: Likely pathogenic for Duchenne muscular dystrophy. Last evaluated: 2026-09-30. Review status: criteria provided, single submitter. Criteria: ACMG Guidelines, 2015. Collection method: clinical testing. Allele origin: germline. Inheritance: Autosomal dominant inheritance. Affected: yes.

Revvity Omics, Revvity
Classification: Pathogenic. Last evaluated: 2024-11-07. Review status: criteria provided, single submitter. Criteria: ACMG Guidelines, 2015. Collection method: clinical testing. Allele origin: germline.

Labcorp Genetics (formerly Invitae), Labcorp
Classification: Pathogenic for Duchenne muscular dystrophy. Last evaluated: 2023-04-11. Review status: criteria provided, single submitter. Criteria: Invitae Variant Classification Sherloc (09022015). Collection method: clinical testing. Allele origin: germline.
Comment: For these reasons, this variant has been classified as Pathogenic. ClinVar contains an entry for this variant (Variation ID: 94772). This premature translational stop signal has been observed in individual(s) with DMD-related dystrophinopathy (PMID: 7041906, 19783145, 23536893, 27593222, 27750387). In at least one individual the variant was observed to be de novo. This variant is not present in population databases (gnomAD no frequency). This sequence change creates a premature translational stop signal (p.Arg2553*) in the DMD gene. It is expected to result in an absent or disrupted protein product. Loss-of-function variants in DMD are known to be pathogenic (PMID: 16770791, 25007885).

Laboratory of Medical Genetics, National & Kapodistrian University of Athens
Classification: Pathogenic for Duchenne muscular dystrophy. Last evaluated: 2022-12-16. Review status: criteria provided, single submitter. Criteria: ACMG Guidelines, 2015. Collection method: clinical testing. Allele origin: germline. Affected: yes.
Comment: PVS1, PM2, PP5

Centre of Medical Genetics, University Hospital Muenster
Classification: Pathogenic for Duchenne muscular dystrophy. Last evaluated: 2022-02-28. Review status: criteria provided, single submitter. Criteria: ACMG Guidelines, 2015. Collection method: clinical testing. Allele origin: germline. Affected: yes. Observed: 1 variant allele.
Comment: ACMG categories: PVS1,PS1,PS4

GeneDx
Classification: Pathogenic. Last evaluated: 2021-07-30. Review status: criteria provided, single submitter. Criteria: GeneDx Variant Classification Process June 2021. Collection method: clinical testing. Allele origin: germline. Affected: yes.
Comment: Published functional studies demonstrate a damaging effect (Sedlackova et al., 2009); Nonsense variant predicted to result in protein truncation or nonsense mediated decay in a gene for which loss-of-function is a known mechanism of disease; Not observed in large population cohorts (Lek et al., 2016); Based on the understanding of this genetic alteration, it may be amenable to nonsense read-through therapy that is currently available or in clinical trial; This variant is associated with the following publications: (PMID: 17041906, 19783145, 27593222, 27858743, 29604111, 17435279, 26743743, 23453023, 19937601, 19760747, 17259292, 14695533, 27750387, 13679720)

CeGaT Center for Human Genetics Tuebingen
Classification: Pathogenic. Last evaluated: 2018-02-01. Review status: criteria provided, single submitter. Criteria: CeGaT Center For Human Genetics Tuebingen Variant Classification Criteria Version 2. Collection method: clinical testing. Allele origin: germline. Affected: yes. Observed: 1 variant allele.

Athena Diagnostics
Classification: Pathogenic. Last evaluated: 2018-01-25. Review status: criteria provided, single submitter. Criteria: Athena Diagnostics Criteria. Collection method: clinical testing. Allele origin: germline.

Eurofins Ntd Llc (ga)
Classification: Pathogenic. Last evaluated: 2015-06-02. Review status: criteria provided, single submitter. Criteria: EGL Classification Definitions 2015. Collection method: clinical testing. Allele origin: germline. Observed: 8 variant alleles, 3 heterozygotes, 2 homozygotes, 3 hemizygotes.

Natera, Inc.
Classification: Pathogenic for Becker muscular dystrophy; Cardiomyopathy; Duchenne muscular dystrophy; Dystrophin deficiency. Last evaluated: 2021-10-06. Review status: no assertion criteria provided. Collection method: clinical testing. Allele origin: germline. Not counted in ClinVar's aggregate classification.

Literature cited by the submitters: PubMed 7041906 (cited by Labcorp Genetics (formerly Invitae), Labcorp); PubMed 19783145 (cited by Labcorp Genetics (formerly Invitae), Labcorp and Athena Diagnostics); PubMed 23536893 (cited by Labcorp Genetics (formerly Invitae), Labcorp); PubMed 27593222 (cited by Labcorp Genetics (formerly Invitae), Labcorp and Athena Diagnostics); PubMed 27750387 (cited by Labcorp Genetics (formerly Invitae), Labcorp and Athena Diagnostics); PubMed 16770791 (cited by Labcorp Genetics (formerly Invitae), Labcorp); PubMed 25007885 (cited by Labcorp Genetics (formerly Invitae), Labcorp); PubMed 13679720 (cited by Athena Diagnostics); PubMed 14695533 (cited by Athena Diagnostics); PubMed 17041906 (cited by Athena Diagnostics); PubMed 17259292 (cited by Athena Diagnostics); PubMed 19760747 (cited by Athena Diagnostics); PubMed 19937601 (cited by Athena Diagnostics).